The following is an entry in ClinVar:

ClinVar aggregate classification (germline): Likely benign. Review status: criteria provided, multiple submitters, no conflicts (2 of 4 stars). 5 submissions from 5 submitters: Likely benign (5). Last evaluated 2026-07-01.

Conditions:
Cardiovascular phenotype. Identifiers: MedGen CN230736.
TTN-related disorder. Also called: TTN-related condition; TTN-related disease; TTN-related disorders.
Autosomal recessive limb-girdle muscular dystrophy type 2J (LGMDR10). Also called: MUSCULAR DYSTROPHY, LIMB-GIRDLE, AUTOSOMAL RECESSIVE 10; Limb-girdle muscular dystrophy, type 2J. Identifiers: Orphanet 140922, MedGen C1837342, MONDO:0012127, OMIM 608807.
Dilated cardiomyopathy 1G (CMD1G). Identifiers: Orphanet 154, MedGen C1858763, MONDO:0011400, OMIM 604145.

Allele frequency attached by ClinVar (database versions not stated): TOPMed 0.00002; gnomAD exomes 0.00004 and 0.00010; ExAC 0.00007.
gnomAD v4.1: 27 of 1,613,868 alleles (0.0017%); highest among the groups gnomAD compares: Admixed American, 0.045%; no homozygotes.

Submissions (5):

CeGaT Center for Human Genetics Tuebingen
Classification: Likely benign. Last evaluated: 2026-07-01. Review status: criteria provided, single submitter. Criteria: CeGaT Center For Human Genetics Tuebingen Variant Classification Criteria Version 2. Collection method: clinical testing. Allele origin: germline. Affected: yes. Observed: 3 variant alleles.
Comment: TTN: BP4, BP7

PreventionGenetics, part of Exact Sciences
Classification: Likely benign for TTN-related condition. Last evaluated: 2026-02-04. Review status: criteria provided, single submitter. Criteria: ACMG Guidelines, 2015. Collection method: clinical testing. Allele origin: germline.
Comment: This variant is classified as likely benign based on ACMG/AMP sequence variant interpretation guidelines (Richards et al. 2015 PMID: 25741868, with internal and published modifications).

Labcorp Genetics (formerly Invitae), Labcorp
Classification: Likely benign for Dilated cardiomyopathy 1G; Autosomal recessive limb-girdle muscular dystrophy type 2J. Last evaluated: 2025-10-20. Review status: criteria provided, single submitter. Criteria: Invitae Variant Classification Sherloc (09022015). Collection method: clinical testing. Allele origin: germline.

Ambry Genetics
Classification: Likely benign for Cardiovascular phenotype. Last evaluated: 2020-05-23. Review status: criteria provided, single submitter. Criteria: Ambry Variant Classification Scheme 2023. Collection method: clinical testing. Allele origin: germline.

GeneDx
Classification: Likely benign. Last evaluated: 2017-02-10. Review status: criteria provided, single submitter. Criteria: GeneDx Variant Classification (06012015). Collection method: clinical testing. Allele origin: germline. Affected: yes.
Comment: This variant is considered likely benign or benign based on one or more of the following criteria: it is a conservative change, it occurs at a poorly conserved position in the protein, it is predicted to be benign by multiple in silico algorithms, and/or has population frequency not consistent with disease.

NM_001267550.2(TTN):c.104202A>G (p.Pro34734=)

Genes: TTN (titin; minus strand), TTN-AS1 (TTN antisense RNA 1; plus strand). Cytogenetic location: 2q31.2.
Variant type: single nucleotide variant.
Coding change: c.104202A>G on transcript NM_001267550.2 (MANE Select); coding-DNA position 104202, A replaced by G.
Protein change: p.Pro34734=; no amino-acid change (proline 34734 retained).
Molecular consequence: synonymous variant.
Genome position (GRCh38, 1-based): chr2:178,532,413, T>C on the plus strand (A>G on the coding strand, the complement: TTN is on the minus strand). VCF-style: chr2-178532413-T-C. GRCh37 (hg19) VCF-style: chr2-179397140-T-C.
Other names: c.99279A>G, p.Pro33093= (NM_001256850.1); c.77007A>G, p.Pro25669= (NM_003319.4); c.96498A>G, p.Pro32166= (NM_133378.4); c.77382A>G, p.Pro25794= (NM_133432.3); c.77583A>G, p.Pro25861= (NM_133437.4).
Identifiers: ClinVar variation 507361 (VCV000507361.20), dbSNP rs777542393, ClinGen allele CA1985466.